The following is an entry in ClinVar:

ClinVar aggregate classification (germline): Uncertain significance (1 of 4 stars; one submission).

Allele frequency attached by ClinVar (database versions not stated): gnomAD 0.00002 and 0.00003; TOPMed 0.00002; gnomAD exomes 0.00003.
gnomAD v4.1: 10 of 1,553,088 alleles (0.00064%); highest among the groups gnomAD compares: Admixed American, 0.015%; no homozygotes.

Submission:

Labcorp Genetics (formerly Invitae), Labcorp
Classification: Uncertain significance. Last evaluated: 2023-08-04. Review status: criteria provided, single submitter. Criteria: Invitae Variant Classification Sherloc (09022015). Collection method: clinical testing. Allele origin: germline.
Comment: In summary, the available evidence is currently insufficient to determine the role of this variant in disease. Therefore, it has been classified as a Variant of Uncertain Significance. Advanced modeling of protein sequence and biophysical properties (such as structural, functional, and spatial information, amino acid conservation, physicochemical variation, residue mobility, and thermodynamic stability) performed at Invitae indicates that this missense variant is not expected to disrupt MYO7A protein function. ClinVar contains an entry for this variant (Variation ID: 1473953). This variant has not been reported in the literature in individuals affected with MYO7A-related conditions. This variant is present in population databases (no rsID available, gnomAD 0.01%). This sequence change replaces leucine, which is neutral and non-polar, with arginine, which is basic and polar, at codon 1772 of the MYO7A protein (p.Leu1772Arg).

NM_000260.4(MYO7A):c.5315T>G (p.Leu1772Arg)

Gene: MYO7A (myosin VIIA; plus strand). Cytogenetic location: 11q13.5.
Variant type: single nucleotide variant.
Coding change: c.5315T>G on transcript NM_000260.4 (MANE Select); coding-DNA position 5315, T replaced by G.
Protein change: p.Leu1772Arg; replaces leucine 1772 with arginine.
Molecular consequence: missense variant.
Genome position (GRCh38, 1-based): chr11:77,203,206, T>G. VCF-style: chr11-77203206-T-G. GRCh37 (hg19) VCF-style: chr11-76914251-T-G.
Other names: c.5201T>G, p.Leu1734Arg (NM_001127180.2); c.5168T>G, p.Leu1723Arg (NM_001369365.1); short protein forms L1723R, L1772R, L1734R.
Identifiers: ClinVar variation 1473953 (VCV001473953.4), dbSNP rs1375841914, ClinGen allele CA381952456.